The following is an entry in ClinVar:

NM_020632.3(ATP6V0A4):c.334C>G (p.Gln112Glu)

Gene: ATP6V0A4 (ATPase H+ transporting V0 subunit a4; minus strand). Cytogenetic location: 7q34.
Variant type: single nucleotide variant.
Coding change: c.334C>G on transcript NM_020632.3 (MANE Select); coding-DNA position 334, C replaced by G.
Protein change: p.Gln112Glu; replaces glutamine 112 with glutamic acid.
Molecular consequence: missense variant.
Genome position (GRCh38, 1-based): chr7:138,762,983, G>C on the plus strand (C>G on the coding strand, the complement: ATP6V0A4 is on the minus strand). VCF-style: chr7-138762983-G-C. GRCh37 (hg19) VCF-style: chr7-138447728-G-C.
Other names: c.334C>G, p.Gln112Glu (NM_130840.3, NM_130841.3); short protein forms Q112E.
Identifiers: ClinVar variation 4074273 (VCV004074273.1).

ClinVar aggregate classification (germline): Uncertain significance (1 of 4 stars; one submission).

Conditions:
Renal tubular acidosis, distal, 3, with or without sensorineural hearing loss (DRTA3). Identifiers: MedGen C5399980, MONDO:0011268, OMIM 602722.

gnomAD v4.1: 224 of 1,613,860 alleles (0.014%); highest among the groups gnomAD compares: Non-Finnish European, 0.019%; no homozygotes.

Submission:

Rare Kidney Stone Consortium and the Mayo Clinic Hyperoxaluria Center, Mayo Clinic
Classification: Uncertain significance for Renal tubular acidosis, distal, 3, with or without sensorineural hearing loss. Last evaluated: 2025-05-01. Review status: criteria provided, single submitter. Criteria: ACMG Guidelines, 2015. Collection method: research. Allele origin: germline.
Comment: ACMG: PP4

heterozygote

Literature cited by the submitters: PubMed 34805638.